The following is an entry in ClinVar:

NM_001004051.4(GPRASP2):c.2193T>C (p.Asn731=)

Genes: ARMCX5-GPRASP2 (ARMCX5-GPRASP2 readthrough; plus strand), GPRASP2 (G protein-coupled receptor associated sorting protein 2; plus strand). Cytogenetic location: Xq22.1.
Variant type: single nucleotide variant.
Coding change: c.2193T>C on transcript NM_001004051.4 (MANE Select); coding-DNA position 2193, T replaced by C.
Protein change: p.Asn731=; no amino-acid change (asparagine 731 retained).
Molecular consequence: synonymous variant. On other transcripts: intron variant (3).
Genome position (GRCh38, 1-based): chrX:102,717,062, T>C. VCF-style: chrX-102717062-T-C. GRCh37 (hg19) VCF-style: chrX-101971990-T-C.
Other names: c.2193T>C, p.Asn731= (NM_001199818.1, NM_001184874.3, NM_001184875.3 and 2 more transcripts); c.-820+2796T>C (NM_001350268.2); c.-752+2796T>C (NM_001350269.2); c.-721+2796T>C (NM_001350270.1).
Identifiers: ClinVar variation 3033681 (VCV003033681.2), dbSNP rs956318160, ClinGen allele CA333922754.

ClinVar aggregate classification (germline): Likely benign (0 of 4 stars; one submission).

Conditions:
GPRASP2-related disorder. Also called: GPRASP2-related condition.

Allele frequency attached by ClinVar (database versions not stated): gnomAD exomes 0.00001; gnomAD 0.00009; TOPMed 0.00036.
gnomAD v4.1: 24 of 1,202,581 alleles (0.002%); highest among the groups gnomAD compares: Admixed American, 0.033%; no homozygotes.

Submission:

PreventionGenetics, part of Exact Sciences
Classification: Likely benign for GPRASP2-related condition. Last evaluated: 2019-06-14. Review status: no assertion criteria provided. Collection method: clinical testing. Allele origin: germline.
Comment: This variant is classified as likely benign based on ACMG/AMP sequence variant interpretation guidelines (Richards et al. 2015 PMID: 25741868, with internal and published modifications).